The following is an entry in ClinVar:

NM_004963.4(GUCY2C):c.612-1G>A

Genes: GUCY2C (guanylate cyclase 2C; minus strand), GUCY2C-AS1 (GUCY2C antisense RNA 1; plus strand). Cytogenetic location: 12p12.3.
Variant type: single nucleotide variant.
Coding change: c.612-1G>A on transcript NM_004963.4 (MANE Select); the canonical splice acceptor site of the intron before coding-DNA position 612, G replaced by A.
Molecular consequence: splice acceptor variant.
Genome position (GRCh38, 1-based): chr12:14,681,478, C>T on the plus strand (G>A on the coding strand, the complement: GUCY2C is on the minus strand). VCF-style: chr12-14681478-C-T. GRCh37 (hg19) VCF-style: chr12-14834412-C-T.
Other names: c.612-1G>A (NM_004963.3).
Identifiers: ClinVar variation 1520052 (VCV001520052.11), dbSNP rs763904634, ClinGen allele CA6463697.
Genomic context (GRCh38, chr12:14,681,478, plus strand): 5'-ACCTTAAAGCCGAGTTCGTGGGAGAAATAGGAAACGCTAGCCTCCAGAGCATTAAGGTAC[C>T]TGGAATAGGAAAAAGAGAAACTAAAACAGCTTACTTCCCTCATGGCCTTTCATGCCTTTC-3'

ClinVar aggregate classification (germline): Uncertain significance. Review status: criteria provided, multiple submitters, no conflicts (2 of 4 stars). 3 submissions from 3 submitters: Uncertain significance (2). 1 of the submissions does not count toward it. Last evaluated 2026-01-19.

Conditions:
GUCY2C-related disorder. Also called: GUCY2C-related condition.

Allele frequency attached by ClinVar (database versions not stated): gnomAD 0.00011 and 0.00009; gnomAD exomes 0.00004 and 0.00007; TOPMed 0.00002; ExAC 0.00003.
gnomAD v4.1: 59 of 1,495,692 alleles (0.0039%); highest among the groups gnomAD compares: Middle Eastern, 0.034%; no homozygotes.

Submissions (3):

Labcorp Genetics (formerly Invitae), Labcorp
Classification: Uncertain significance. Last evaluated: 2026-01-19. Review status: criteria provided, single submitter. Criteria: Invitae Variant Classification Sherloc (09022015). Collection method: clinical testing. Allele origin: germline.
Comment: This sequence change affects an acceptor splice site in intron 4 of the GUCY2C gene. It is expected to disrupt RNA splicing. Variants that disrupt the donor or acceptor splice site typically lead to a loss of protein function (PMID: 16199547), however the current clinical and genetic evidence is not sufficient to establish whether loss-of-function variants in GUCY2C cause disease. This variant is present in population databases (rs763904634, gnomAD 0.04%). This variant has not been reported in the literature in individuals affected with GUCY2C-related conditions. ClinVar contains an entry for this variant (Variation ID: 1520052). Algorithms developed to predict the effect of sequence changes on RNA splicing suggest that this variant may disrupt the consensus splice site. In summary, the available evidence is currently insufficient to determine the role of this variant in disease. Therefore, it has been classified as a Variant of Uncertain Significance.

Dasa
Classification: Uncertain significance. Last evaluated: 2025-03-07. Review status: criteria provided, single submitter. Criteria: DASA Assertion Criteria. Collection method: clinical testing. Allele origin: germline.
Comment: NM_004963.4(GUCY2C):c.612-1G>A affects a canonical splice site and is predicted to disrupt normal RNA splicing. This variant is rare in population databases. The currently available literature and clinical evidence are not sufficient to establish a definitive association between this variant and the reported condition. Therefore, this variant is classified as a variant of uncertain significance.

PreventionGenetics, part of Exact Sciences
Classification: Uncertain significance for GUCY2C-related condition. Last evaluated: 2024-09-06. Review status: no assertion criteria provided. Collection method: clinical testing. Allele origin: germline. Not counted in ClinVar's aggregate classification.
Comment: The GUCY2C c.612-1G>A variant is predicted to disrupt the AG splice acceptor site and interfere with normal splicing. To our knowledge, this variant has not been reported in the literature in individuals with GUCY2C-related disorders. Of note, loss of function is not an established mechanism for GUCY2C-related disease, although limited evidence suggests that loss of function variants may be associated with autosomal recessive meconium ileus (Romi et al. 2012. PubMed ID: 22521417; Woods et al. 2019. PubMed ID: 31079856). This variant is reported in 0.039% of alleles in individuals of Latino descent in gnomAD. At this time, the clinical significance of this variant is uncertain due to the absence of conclusive functional and genetic evidence.

Literature cited by the submitters: PubMed 16199547 (cited by Labcorp Genetics (formerly Invitae), Labcorp).